The following is an entry in ClinVar:

ClinVar aggregate classification (germline): Likely benign (1 of 4 stars; one submission).

Conditions:
Arrhythmogenic cardiomyopathy with wooly hair and keratoderma. Also called: PALMOPLANTAR KERATODERMA WITH LEFT VENTRICULAR CARDIOMYOPATHY AND WOOLLY HAIR; Carvajal syndrome; Dilated cardiomyopathy with woolly hair and keratoderma; Arrhythmogenic cardiomyopathy with woolly hair and keratoderma. Identifiers: Orphanet 65282, MedGen C1854063, MONDO:0011581, OMIM 605676.

Submission:

All of Us Research Program, National Institutes of Health
Classification: Likely benign for Arrhythmogenic cardiomyopathy with wooly hair and keratoderma. Last evaluated: 2023-11-20. Review status: criteria provided, single submitter. Criteria: ACMG Guidelines, 2015. Collection method: clinical testing. Allele origin: germline. Inheritance: Autosomal dominant inheritance. Observed: 1 variant allele, 1 heterozygote.
Comment: This study involves interpretation of variants in research participants for the purpose of population health screening. Participant phenotype was not available at the time of variant classification. Additional details can be found in publication PMID: 35346344, PMCID: PMC8962531

NM_004415.4(DSP):c.3672A>C (p.Ile1224=)

Gene: DSP (desmoplakin; plus strand). Cytogenetic location: 6p24.3.
Variant type: single nucleotide variant.
Coding change: c.3672A>C on transcript NM_004415.4 (MANE Select); coding-DNA position 3672, A replaced by C.
Protein change: p.Ile1224=; no amino-acid change (isoleucine 1224 retained).
Molecular consequence: synonymous variant. On other transcripts: intron variant (1).
Genome position (GRCh38, 1-based): chr6:7,579,862, A>C. VCF-style: chr6-7579862-A-C. GRCh37 (hg19) VCF-style: chr6-7580095-A-C.
Other names: c.3672A>C, p.Ile1224= (NM_001319034.2); c.3582+90A>C (NM_001008844.3).
Identifiers: ClinVar variation 3074696 (VCV003074696.1), dbSNP rs2533925170, ClinGen allele CA448714555.